The following is an entry in ClinVar:

NM_006231.4(POLE):c.181G>A (p.Gly61Ser)

Gene: POLE (DNA polymerase epsilon, catalytic subunit; minus strand). Cytogenetic location: 12q24.33.
Variant type: single nucleotide variant.
Coding change: c.181G>A on transcript NM_006231.4 (MANE Select); coding-DNA position 181, G replaced by A.
Protein change: p.Gly61Ser; replaces glycine 61 with serine.
Molecular consequence: missense variant.
Genome position (GRCh38, 1-based): chr12:132,681,161, C>T on the plus strand (G>A on the coding strand, the complement: POLE is on the minus strand). VCF-style: chr12-132681161-C-T. GRCh37 (hg19) VCF-style: chr12-133257747-C-T.
Other names: c.181G>A (NM_006231.2); short protein forms G61S.
Identifiers: ClinVar variation 1036328 (VCV001036328.7), dbSNP rs2043158331, ClinGen allele CA387369750.

ClinVar aggregate classification (germline): Uncertain significance. Review status: criteria provided, multiple submitters, no conflicts (2 of 4 stars). 2 submissions from 2 submitters: Uncertain significance (2). Last evaluated 2024-12-02.

Conditions:
Hereditary cancer-predisposing syndrome. Also called: Neoplastic Syndromes, Hereditary; Hereditary Cancer Syndrome; Tumor predisposition; Hereditary neoplastic syndrome. Identifiers: Orphanet 140162, MedGen C0027672, MeSH D009386, MONDO:0015356.

Submissions (2):

Ambry Genetics
Classification: Uncertain significance for Hereditary cancer-predisposing syndrome. Last evaluated: 2024-12-02. Review status: criteria provided, single submitter. Criteria: Ambry Variant Classification Scheme 2023. Collection method: clinical testing. Allele origin: germline.
Comment: The p.G61S variant (also known as c.181G>A), located in coding exon 2 of the POLE gene, results from a G to A substitution at nucleotide position 181. The glycine at codon 61 is replaced by serine, an amino acid with similar properties. This amino acid position is conserved. In addition, the in silico prediction for this alteration is inconclusive. Based on the available evidence, the clinical significance of this variant remains unclear.

Labcorp Genetics (formerly Invitae), Labcorp
Classification: Uncertain significance. Last evaluated: 2021-10-04. Review status: criteria provided, single submitter. Criteria: Invitae Variant Classification Sherloc (09022015). Collection method: clinical testing. Allele origin: germline.
Comment: In summary, the available evidence is currently insufficient to determine the role of this variant in disease. Therefore, it has been classified as a Variant of Uncertain Significance. Algorithms developed to predict the effect of missense changes on protein structure and function are either unavailable or do not agree on the potential impact of this missense change (SIFT: "Deleterious"; PolyPhen-2: "Probably Damaging"; Align-GVGD: "Class C0"). This variant has not been reported in the literature in individuals affected with POLE-related conditions. This variant is not present in population databases (ExAC no frequency). This sequence change replaces glycine with serine at codon 61 of the POLE protein (p.Gly61Ser). The glycine residue is highly conserved and there is a small physicochemical difference between glycine and serine.